The following is an entry in ClinVar:

ClinVar aggregate classification (germline): Uncertain significance. Review status: criteria provided, multiple submitters, no conflicts (2 of 4 stars). 3 submissions from 3 submitters: Uncertain significance (3). Last evaluated 2023-11-10.

Conditions:
Autoinflammatory syndrome. Identifiers: Orphanet 93665, MedGen C3890737, MONDO:0019751.
Familial cold autoinflammatory syndrome 2 (FCAS2). Identifiers: Orphanet 247868, MedGen C2673198, MONDO:0012724, OMIM 611762.

Allele frequency attached by ClinVar (database versions not stated): gnomAD exomes 0.00001.
gnomAD v4.1: 9 of 1,613,912 alleles (0.00056%); highest among the groups gnomAD compares: Middle Eastern, 0.066%; no homozygotes.

Submissions (3):

Labcorp Genetics (formerly Invitae), Labcorp
Classification: Uncertain significance for Familial cold autoinflammatory syndrome 2. Last evaluated: 2023-11-10. Review status: criteria provided, single submitter. Criteria: Invitae Variant Classification Sherloc (09022015). Collection method: clinical testing. Allele origin: germline.
Comment: This sequence change replaces glycine, which is neutral and non-polar, with arginine, which is basic and polar, at codon 89 of the NLRP12 protein (p.Gly89Arg). This variant is present in population databases (rs753292620, gnomAD 0.0009%). This variant has not been reported in the literature in individuals affected with NLRP12-related conditions. ClinVar contains an entry for this variant (Variation ID: 1694414). Advanced modeling of protein sequence and biophysical properties (such as structural, functional, and spatial information, amino acid conservation, physicochemical variation, residue mobility, and thermodynamic stability) performed at Invitae indicates that this missense variant is expected to disrupt NLRP12 protein function with a positive predictive value of 80%. In summary, the available evidence is currently insufficient to determine the role of this variant in disease. Therefore, it has been classified as a Variant of Uncertain Significance.

Blueprint Genetics
Classification: Uncertain significance. Last evaluated: 2023-07-21. Review status: criteria provided, single submitter. Criteria: ACMG Guidelines, 2015. Collection method: clinical testing. Allele origin: germline.

Genome Diagnostics Laboratory, The Hospital for Sick Children
Classification: Uncertain significance for Autoinflammatory syndrome. Last evaluated: 2016-12-12. Review status: criteria provided, single submitter. Criteria: ACMG Guidelines, 2015. Collection method: clinical testing. Allele origin: germline. Affected: yes.

NM_144687.4(NLRP12):c.265G>A (p.Gly89Arg)

Gene: NLRP12 (NLR family pyrin domain containing 12; minus strand). Cytogenetic location: 19q13.42.
Variant type: single nucleotide variant.
Coding change: c.265G>A on transcript NM_144687.4 (MANE Select); coding-DNA position 265, G replaced by A.
Protein change: p.Gly89Arg; replaces glycine 89 with arginine.
Molecular consequence: missense variant.
Genome position (GRCh38, 1-based): chr19:53,823,910, C>T on the plus strand (G>A on the coding strand, the complement: NLRP12 is on the minus strand). VCF-style: chr19-53823910-C-T. GRCh37 (hg19) VCF-style: chr19-54327164-C-T.
Other names: c.265G>A, p.Gly89Arg (NM_001277126.2, NM_001277129.1); short protein forms G89R.
Identifiers: ClinVar variation 1694414 (VCV001694414.9), dbSNP rs753292620, ClinGen allele CA9639804.